The following is an entry in ClinVar:

ClinVar aggregate classification (germline): Conflicting classifications of pathogenicity. Review status: criteria provided, conflicting classifications (1 of 4 stars). 9 submissions from 9 submitters: Uncertain significance (5); Likely benign (1). 3 of the submissions do not count toward it. Last evaluated 2025-12-03.

Conditions:
Hereditary cancer-predisposing syndrome. Also called: Tumor predisposition; Neoplastic Syndromes, Hereditary; Hereditary Cancer Syndrome; Hereditary neoplastic syndrome. Identifiers: Orphanet 140162, MedGen C0027672, MeSH D009386, MONDO:0015356.
Hereditary breast ovarian cancer syndrome. Also called: Hereditary breast and ovarian cancer syndrome (HBOC); Hereditary breast and ovarian cancer syndrome; Hereditary breast and ovarian cancer; Hereditary breast and/or ovarian cancer syndrome; Breast and ovarian cancer; BRCA1- and BRCA2-Associated Hereditary Breast and Ovarian Cancer. Identifiers: Orphanet 145, MedGen C0677776, MeSH D061325, MONDO:0003582. Disease mechanism: loss of function.
Breast-ovarian cancer, familial, susceptibility to, 1 (BROVCA1). Also called: OVARIAN CANCER, SUSCEPTIBILITY TO; BRCA1 Hereditary Breast and Ovarian Cancer. Identifiers: Orphanet 145, MedGen C2676676, MONDO:0011450, OMIM 604370. Disease mechanism: loss of function.

Allele frequency attached by ClinVar (database versions not stated): gnomAD exomes 0.00001; TOPMed 0.00001.
gnomAD v4.1: 4 of 1,613,880 alleles (0.00025%); highest among the groups gnomAD compares: Non-Finnish European, 0.00034%; no homozygotes.

Submissions (9):

Labcorp Genetics (formerly Invitae), Labcorp
Classification: Uncertain significance for Hereditary breast ovarian cancer syndrome. Last evaluated: 2025-12-03. Review status: criteria provided, single submitter. Criteria: Invitae Variant Classification Sherloc (09022015). Collection method: clinical testing. Allele origin: germline.
Comment: This sequence change replaces glutamic acid, which is acidic and polar, with glutamine, which is neutral and polar, at codon 649 of the BRCA1 protein (p.Glu649Gln). This variant is not present in population databases (gnomAD no frequency). This missense change has been observed in individual(s) with clinical features of BRCA1-related conditions (PMID: 21520333, 28525389). ClinVar contains an entry for this variant (Variation ID: 54407). Invitae Evidence Modeling of protein sequence and biophysical properties (such as structural, functional, and spatial information, amino acid conservation, physicochemical variation, residue mobility, and thermodynamic stability) indicates that this missense variant is expected to disrupt BRCA1 protein function with a positive predictive value of 80%. In summary, the available evidence is currently insufficient to determine the role of this variant in disease. Therefore, it has been classified as a Variant of Uncertain Significance.

Quest Diagnostics Nichols Institute San Juan Capistrano
Classification: Uncertain significance. Last evaluated: 2025-10-22. Review status: criteria provided, single submitter. Criteria: Quest Diagnostics criteria. Collection method: clinical testing. Allele origin: unknown.
Comment: The BRCA1 c.1945G>C (p.Glu649Gln) variant has been reported in the published literature in individuals with personal and/or family history of breast and/or ovarian cancer (PMID: 28525389 (2017), 16267036 (2005)), and described to be located in a region of the BRCA1 gene that is tolerant to missense sequence changes (PMID: 31911673 (2020)). A functional study demonstrated that this variant had a neutral effect on protein function, however additional studies are needed to determine the global effect of this variant on protein function (PMID: 32546644 (2020)). This variant has not been reported in large, multi-ethnic general populations (Genome Aggregation Database). Analysis of this variant using bioinformatics tools for the prediction of the effect of amino acid changes on protein structure and function yielded conflicting predictions that this variant is benign or damaging. Based on the available information, we are unable to determine the clinical significance of this variant.

Ambry Genetics
Classification: Uncertain significance for Hereditary cancer-predisposing syndrome. Last evaluated: 2025-09-21. Review status: criteria provided, single submitter. Criteria: Ambry Variant Classification Scheme 2023. Collection method: clinical testing. Allele origin: germline.
Comment: The p.E649Q variant (also known as c.1945G>C), located in coding exon 9 of the BRCA1 gene, results from a G to C substitution at nucleotide position 1945. The glutamic acid at codon 649 is replaced by glutamine, an amino acid with highly similar properties. This amino acid position is highly conserved in available vertebrate species. In addition, this alteration is predicted to be deleterious by in silico analysis. Since supporting evidence is limited at this time, the clinical significance of this alteration remains unclear.

All of Us Research Program, National Institutes of Health
Classification: Uncertain significance for Breast-ovarian cancer, familial, susceptibility to, 1. Last evaluated: 2023-11-20. Review status: criteria provided, single submitter. Criteria: ACMG Guidelines, 2015. Collection method: clinical testing. Allele origin: germline. Inheritance: Autosomal dominant inheritance. Observed: 4 variant alleles, 4 heterozygotes.
Comment: This variant replaces glutamic acid with glutamine at codon 649 in the BRCA1 protein. Computational prediction suggests that this variant may have deleterious impact on protein structure and function (internally defined REVEL score threshold >= 0.7, PMID: 27666373). To our knowledge, functional studies have not been reported for this variant. This variant has been reported in an individual affected with ovarian cancer (PMID: 28525389). This variant has not been identified in the general population by the Genome Aggregation Database (gnomAD). The available evidence is insufficient to determine the role of this variant in disease conclusively. Therefore, this variant is classified as a Variant of Uncertain Significance.

This study involves interpretation of variants in research participants for the purpose of population health screening. Participant phenotype was not available at the time of variant classification. Additional details can be found in publication PMID: 35346344, PMCID: PMC8962531

Color Diagnostics, LLC DBA Color Health
Classification: Uncertain significance for Hereditary cancer-predisposing syndrome. Last evaluated: 2023-09-06. Review status: criteria provided, single submitter. Criteria: ACMG Guidelines, 2015. Collection method: clinical testing. Allele origin: germline.
Comment: This variant replaces glutamic acid with glutamine at codon 649 in the BRCA1 protein. Computational prediction suggests that this variant may have deleterious impact on protein structure and function (internally defined REVEL score threshold >= 0.7, PMID: 27666373). To our knowledge, functional studies have not been reported for this variant. This variant has been reported in an individual affected with ovarian cancer (PMID: 28525389). This variant has not been identified in the general population by the Genome Aggregation Database (gnomAD). The available evidence is insufficient to determine the role of this variant in disease conclusively. Therefore, this variant is classified as a Variant of Uncertain Significance.

University of Washington Department of Laboratory Medicine, University of Washington
Classification: Likely benign for Hereditary cancer-predisposing syndrome. Last evaluated: 2023-03-23. Review status: criteria provided, single submitter. Criteria: Dines et al. (Genet Med. 2020). Collection method: curation. Allele origin: germline.
Comment: Missense variant in a coldspot region where missense variants are very unlikely to be pathogenic (PMID:31911673).

BRCA1 coldspot (exon 11 using historical exon numbering). Reclassification based on statistical prior probability

Breast Cancer Information Core (BIC) (BRCA1)
Classification: Uncertain significance for Breast-ovarian cancer, familial 1. Last evaluated: 2003-12-23. Review status: no assertion criteria provided. Collection method: clinical testing. Allele origin: germline. Affected: yes. Observed: 1 variant allele. Not counted in ClinVar's aggregate classification.

Clinical Genetics DNA and cytogenetics Diagnostics Lab, Erasmus MC, Erasmus Medical Center
Classification: Uncertain significance. Review status: no assertion criteria provided. Collection method: clinical testing. Allele origin: germline. Affected: yes. Study: VKGL Data-share Consensus. Not counted in ClinVar's aggregate classification.

Joint Genome Diagnostic Labs from Nijmegen and Maastricht, Radboudumc and MUMC+
Classification: Uncertain significance. Review status: no assertion criteria provided. Collection method: clinical testing. Allele origin: germline. Affected: yes. Study: VKGL Data-share Consensus. Not counted in ClinVar's aggregate classification.

Literature cited by the submitters: PubMed 21520333 (cited by Labcorp Genetics (formerly Invitae), Labcorp); PubMed 28525389 (cited by 4 submitters); PubMed 31911673 (cited by Quest Diagnostics Nichols Institute San Juan Capistrano); PubMed 32546644 (cited by Quest Diagnostics Nichols Institute San Juan Capistrano); PubMed 33945048 (cited by Quest Diagnostics Nichols Institute San Juan Capistrano); PubMed 16267036 (cited by Quest Diagnostics Nichols Institute San Juan Capistrano).

NM_007294.4(BRCA1):c.1945G>C (p.Glu649Gln)

Gene: BRCA1 (BRCA1 DNA repair associated; minus strand). Cytogenetic location: 17q21.31.
Variant type: single nucleotide variant.
Coding change: c.1945G>C on transcript NM_007294.4 (MANE Select); coding-DNA position 1945, G replaced by C.
Protein change: p.Glu649Gln; replaces glutamic acid 649 with glutamine.
Molecular consequence: missense variant. On other transcripts: intron variant (137).
Genome position (GRCh38, 1-based): chr17:43,093,586, C>G on the plus strand (G>C on the coding strand, the complement: BRCA1 is on the minus strand). VCF-style: chr17-43093586-C-G. GRCh37 (hg19) VCF-style: chr17-41245603-C-G.
Other names: c.1744G>C, p.Glu582Gln (NM_001407862.1); c.1822G>C, p.Glu608Gln (NM_001407863.1, NM_001407919.1, NM_001407937.1 and 19 more transcripts); c.1741G>C, p.Glu581Gln (NM_001407874.1, NM_001407875.1); c.1735G>C, p.Glu579Gln (NM_001407879.1, NM_001407881.1, NM_001407882.1 and 13 more transcripts); c.1732G>C, p.Glu578Gln (NM_001407894.1, NM_001407895.1, NM_001407896.1 and 9 more transcripts); c.1681G>C, p.Glu561Gln (NM_001407920.1, NM_001407921.1, NM_001407922.1 and 9 more transcripts); c.1678G>C, p.Glu560Gln (NM_001407930.1, NM_001407931.1, NM_001407932.1 and 2 more transcripts); c.1819G>C, p.Glu607Gln (NM_001407940.1, NM_001407941.1, NM_001407649.1 and 11 more transcripts); and 40 more; short protein forms E649Q, E602Q, E560Q, E582Q, E601Q, E578Q, E579Q, E581Q.
Identifiers: ClinVar variation 54407 (VCV000054407.30), dbSNP rs80356907, ClinGen allele CA001285.